The following continues an entry in ClinVar:

NM_014249.4(NR2E3):c.119-2A>C

Gene: NR2E3. ClinVar aggregate classification (germline): Pathogenic/Likely pathogenic. Pathogenic (32); Likely pathogenic (3).

Submissions 10 to 30 of 46:

First Genomix Gene Laboratory, Genetic Diagnostics Department
Classification: Pathogenic for ENHANCED S-CONE SYNDROME 1; Retinitis pigmentosa 37. Last evaluated: 2025-01-14. Review status: criteria provided, single submitter. Criteria: ACMG Guidelines, 2015. Collection method: clinical testing. Allele origin: germline. Inheritance: Autosomal recessive inheritance. Affected: no. Observed: 1 variant allele.

Blueprint Genetics
Classification: Pathogenic for NR2E3-related disorders. Last evaluated: 2024-11-25. Review status: criteria provided, single submitter. Criteria: ACMG Guidelines, 2015. Collection method: clinical testing. Allele origin: germline. Affected: yes. Observed: 5 variant alleles.

Dubai Health Genomic Medicine Center, Dubai Health
Classification: Likely pathogenic for Retinitis pigmentosa 37. Last evaluated: 2024-10-04. Review status: criteria provided, single submitter. Criteria: ACMG Guidelines, 2015. Collection method: research. Allele origin: germline. Affected: yes.
Comment: PVS1,PM2

Baylor Genetics
Classification: Pathogenic for ENHANCED S-CONE SYNDROME 1. Last evaluated: 2024-03-28. Review status: criteria provided, single submitter. Criteria: ACMG Guidelines, 2015. Collection method: clinical testing. Allele origin: unknown.

Fulgent Genetics
Classification: Pathogenic for ENHANCED S-CONE SYNDROME 1; Retinitis pigmentosa 37. Last evaluated: 2024-03-27. Review status: criteria provided, single submitter. Criteria: ACMG Guidelines, 2015. Collection method: clinical testing. Allele origin: germline.

Revvity Omics, Revvity
Classification: Pathogenic. Last evaluated: 2024-03-27. Review status: criteria provided, single submitter. Criteria: ACMG Guidelines, 2015. Collection method: clinical testing. Allele origin: germline.

GeneDx
Classification: Pathogenic. Last evaluated: 2024-03-03. Review status: criteria provided, single submitter. Criteria: GeneDx Variant Classification Process June 2021. Collection method: clinical testing. Allele origin: germline. Affected: yes.
Comment: Canonical splice site variant predicted to result in a null allele in a gene for which loss of function is a known mechanism of disease; This variant is associated with the following publications: (PMID: 25079116, 29343940, 32531858, 31725702, 32552793, 32581362, 10655056, 18294254, 19718767, 25097241, 24474277, 19273793, 21364904, 26894784, 27573156, 29193891, 28771251, 29431110, 28559085, 21686439, 31130284, 31980526, 30959774, 34426522, 31589614, 32679203, 32037395, 31816670, 31877679, 35113758, 31306293, 28224992, 30324420, 23591405, 31456290, 33138239, 21217109, 15459973)

Ophthalmic Genetics Group, Institute of Molecular and Clinical Ophthalmology Basel
Classification: Pathogenic for Retinitis pigmentosa. Last evaluated: 2023-07-24. Review status: criteria provided, single submitter. Criteria: ACMG Guidelines, 2015. Collection method: research. Allele origin: germline. Affected: yes. Observed: 1 variant allele.
Comment: Clinical significance based on ACMG v2.0

This variant was classified as Pathogenic based on ACMG criteria: PVS1, PM2, PS4, PP5.

Institute of Human Genetics, Univ. Regensburg, Univ. Regensburg
Classification: Pathogenic for Retinal dystrophy. Last evaluated: 2022-01-01. Review status: criteria provided, single submitter. Criteria: ACMG Guidelines, 2015. Collection method: clinical testing. Allele origin: germline. Affected: yes.

Myriad Genetics, Inc.
Classification: Pathogenic for ENHANCED S-CONE SYNDROME 1. Last evaluated: 2021-11-08. Review status: criteria provided, single submitter. Criteria: Myriad Autosomal Dominant, Autosomal Recessive and X-Linked Classification Criteria (2023). Collection method: clinical testing. Allele origin: unknown.
Comment: NM_014249.2(NR2E3):c.119-2A>C is a canonical splice variant classified as pathogenic in the context of enhanced S-cone syndrome. c.119-2A>C has been observed in cases with relevant disease (PMID: 18294254, 15459973). Functional assessments of this variant are available in the literature (PMID: 18294254). c.119-2A>C has been observed in population frequency databases (gnomAD: NFE 0.1%). In summary, NM_014249.2(NR2E3):c.119-2A>C is a canonical splice variant in a gene where loss of function is a known mechanism of disease, is predicted to disrupt protein function, and has been observed more frequently in cases with the relevant disease than in healthy populations. Please note: this variant was assessed in the context of healthy population screening.

Laboratorio de Genetica e Diagnostico Molecular, Hospital Israelita Albert Einstein
Classification: Pathogenic for Ocular albinism. Last evaluated: 2021-09-09. Review status: criteria provided, single submitter. Criteria: ACMG Guidelines, 2015. Collection method: clinical testing. Allele origin: germline. Affected: yes.
Comment: ACMG classification criteria: PVS1 very strong, PS3 supporting, PS4 strong, PM3 very strong, PP1 strong

Ambry Genetics
Classification: Pathogenic for Inborn genetic diseases. Last evaluated: 2021-07-16. Review status: criteria provided, single submitter. Criteria: Ambry Variant Classification Scheme 2023. Collection method: clinical testing. Allele origin: germline.
Comment: The c.119-2A>C intronic variant results from a A to C substitution two nucleotides before coding exon 2 of the NR2E3 gene. Alterations that disrupt the canonical splice site are expected to cause aberrant splicing, resulting in an abnormal protein or a transcript that is subject to nonsense-mediated mRNA decay. Based on data from the Genome Aggregation Database (gnomAD) database, the NR2E3 c.119-2A>C alteration was observed in 0.05% (97/192,798) of total alleles studied, with a frequency of 0.11% (10/8,884) in the Ashkenazi Jewish subpopulation. This alteration has been reported homozygous or compound heterozygous with a second variant in multiple unrelated patients with retinitis pigmentosa or enhanced S-cone syndrome (Haider, 2000; Bernal, 2008; Jespersgaard, 2019; De Carvalho, 2021). Expression of the c.119-2A>C mutant protein in COS7 cells and RT-PCR showed an abnormal transcript due to exon 2 skipping and the generation of a premature stop codon in exon 3 (Bernal, 2008). In silico splice site analysis predicts that this alteration will weaken the native splice acceptor site. Based on the available evidence, this alteration is classified as pathogenic.

Institute of Medical Genetics and Applied Genomics, University Hospital Tübingen
Classification: Pathogenic. Last evaluated: 2021-06-17. Review status: criteria provided, single submitter. Criteria: ACMG Guidelines, 2015. Collection method: clinical testing. Allele origin: germline. Inheritance: Autosomal recessive inheritance. Affected: yes.

Ocular Genomics Institute, Massachusetts Eye and Ear
Classification: Likely pathogenic for Retinitis pigmentosa 37. Last evaluated: 2021-04-08. Review status: criteria provided, single submitter. Criteria: ACMG Guidelines, 2015. Collection method: research. Allele origin: germline. Affected: yes.
Comment: Through a review of available evidence we were able to apply the following criteria: PS3, PM2, PM3. Based on this evidence we have classified this variant as Likely Pathogenic.

Broad Center for Mendelian Genomics, Broad Institute of MIT and Harvard
Classification: Pathogenic for Retinitis pigmentosa. Last evaluated: 2021-04-01. Review status: criteria provided, single submitter. Criteria: ACMG Guidelines, 2015. Collection method: curation. Allele origin: germline. Inheritance: Autosomal recessive inheritance. Affected: yes.
Comment: Through a review of available evidence we were able to apply the following criteria: PVS1, PM2, PM3. Based on this evidence we have classified this variant as Pathogenic. If you have any questions about the classification please reach out to the Pierce Lab.

Hadassah Hebrew University Medical Center
Classification: Pathogenic for ENHANCED S-CONE SYNDROME 1. Last evaluated: 2019-06-20. Review status: criteria provided, single submitter. Criteria: ACMG Guidelines, 2015. Collection method: clinical testing. Allele origin: germline. Affected: yes.

Mendelics
Classification: Pathogenic for ENHANCED S-CONE SYNDROME 1. Last evaluated: 2019-05-28. Review status: criteria provided, single submitter. Criteria: Mendelics Assertion Criteria 2017. Collection method: clinical testing. Allele origin: unknown.

Centre for Mendelian Genomics, University Medical Centre Ljubljana
Classification: Pathogenic for ENHANCED S-CONE SYNDROME 1. Last evaluated: 2019-03-19. Review status: criteria provided, single submitter. Criteria: ACMG Guidelines, 2015. Collection method: clinical testing. Allele origin: unknown. Affected: yes.
Comment: This variant was classified as: Pathogenic. The following ACMG criteria were applied in classifying this variant: PVS1,PM2,PP5.

Eurofins Ntd Llc (ga)
Classification: Pathogenic. Last evaluated: 2018-04-02. Review status: criteria provided, single submitter. Criteria: EGL ClinVar v180209 classification definitions. Collection method: clinical testing. Allele origin: germline. Observed: 1 variant allele, 1 heterozygote.

ARUP Laboratories, Molecular Genetics and Genomics, ARUP Laboratories
Classification: Pathogenic. Last evaluated: 2017-05-05. Review status: criteria provided, single submitter. Criteria: ARUP Molecular Germline Variant Investigation Process. Collection method: clinical testing. Allele origin: germline.

Illumina Laboratory Services, Illumina
Classification: Pathogenic for NR2E3-Related Disorders. Last evaluated: 2017-04-27. Review status: criteria provided, single submitter. Criteria: ICSL Variant Classification Criteria 09 May 2019. Collection method: clinical testing. Allele origin: germline.
Comment: The NR2E3 c.119-2A>C variant occurs in a canonical splice site (acceptor) and is therefore predicted to disrupt or distort the normal gene product. Across a selection of the available literature, the c.119-2A>C variant has been reported in 56 of 232 patients with NR2E3-related disorders, including 33 homozygotes and 23 compound heterozygotes. The variant is noted to segregate with disease (Schorderet et al. 2009; Collin et al. 2011; Yzer et al. 2013; Von Alpen et al. 2015). This variant was absent from 667 controls and is reported at a frequency of 0.00070 in the European (non-Finnish) population of the Exome Aggregation Consortium. Bernal et al. (2008) demonstrated that the c.119-2A>C variant resulted in aberrant splicing producing, in addition to the normal transcript, a transcript showing skipping of exon 2 and the generation of a premature stop codon in exon 3. Based on the evidence, the c.119-2A>C variant is classified as pathogenic for NR2E3-related disorders. This variant was observed by ICSL as part of a predisposition screen in an ostensibly healthy population.